The following is an entry in ClinVar:

ClinVar aggregate classification (germline): Uncertain significance (1 of 4 stars; one submission).

Submission:

Ambry Genetics
Classification: Uncertain significance. Last evaluated: 2025-08-13. Review status: criteria provided, single submitter. Criteria: Ambry Variant Classification Scheme 2023. Collection method: clinical testing. Allele origin: germline.
Comment: The c.2844dupC variant, located in coding exon 25 of the KIF1B gene, results from a duplication of C at nucleotide position 2844, causing a translational frameshift with a predicted alternate stop codon (p.I949Hfs*4). The evidence for this gene-disease relationship is limited; therefore, the clinical significance of this alteration is unclear.

NM_001365951.3(KIF1B):c.2982dup (p.Ile995fs)

Gene: KIF1B (kinesin family member 1B; plus strand). Cytogenetic location: 1p36.22.
Variant type: Duplication.
Coding change: c.2982dup on transcript NM_001365951.3 (MANE Select); coding-DNA position 2982, one base duplicated (C; older notation c.2982dupC).
Protein change: p.Ile995fs; shifts the reading frame from isoleucine 995.
Molecular consequence: frameshift variant.
Genome position (GRCh38, 1-based): chr1:10,334,577, C duplicated; the last of 2 consecutive C bases (chr1:10,334,576-10,334,577); duplicating either gives the same sequence. VCF-style (leftmost placement, unchanged base first): chr1-10334575-G-GC. GRCh37 (hg19) VCF-style: chr1-10394633-G-GC.
Other names: c.2844dupC (NM_015074.3); c.2982dup, p.Ile995fs (NM_001365952.1); c.2844dup, p.Ile949fs (NM_015074.3); short protein forms I949fs, I995fs.
Identifiers: ClinVar variation 1796754 (VCV001796754.4), dbSNP rs1652090826, ClinGen allele CA1153176238.